The following is an entry in ClinVar:

ClinVar aggregate classification (germline): Likely benign (1 of 4 stars; one submission).

gnomAD v4.1: 11 of 1,611,830 alleles (0.00068%); highest among the groups gnomAD compares: Middle Eastern, 0.033%; no homozygotes.

Submission:

CeGaT Center for Human Genetics Tuebingen
Classification: Likely benign. Last evaluated: 2026-05-01. Review status: criteria provided, single submitter. Criteria: CeGaT Center For Human Genetics Tuebingen Variant Classification Criteria Version 2. Collection method: clinical testing. Allele origin: germline. Affected: yes. Observed: 1 variant allele.
Comment: AHNAK2: BP4, BP7

NM_138420.4(AHNAK2):c.8799G>C (p.Thr2933=)

Gene: AHNAK2 (AHNAK nucleoprotein 2; minus strand). Cytogenetic location: 14q32.33.
Variant type: single nucleotide variant.
Coding change: c.8799G>C on transcript NM_138420.4 (MANE Select); coding-DNA position 8799, G replaced by C.
Protein change: p.Thr2933=; no amino-acid change (threonine 2933 retained).
Molecular consequence: synonymous variant.
Genome position (GRCh38, 1-based): chr14:104,946,652, C>G on the plus strand (G>C on the coding strand, the complement: AHNAK2 is on the minus strand). VCF-style: chr14-104946652-C-G. GRCh37 (hg19) VCF-style: chr14-105412989-C-G.
Other names: c.8499G>C, p.Thr2833= (NM_001350929.2).
Identifiers: ClinVar variation 4873340 (VCV004873340.2).